The following is an entry in ClinVar:

ClinVar aggregate classification (germline): Likely benign (1 of 4 stars; one submission).

Submission:

CeGaT Center for Human Genetics Tuebingen
Classification: Likely benign. Last evaluated: 2024-03-01. Review status: criteria provided, single submitter. Criteria: CeGaT Center For Human Genetics Tuebingen Variant Classification Criteria Version 2. Collection method: clinical testing. Allele origin: germline. Affected: yes. Observed: 1 variant allele.
Comment: CKAP2L: PM2:Supporting, BP4, BP7

NM_152515.5(CKAP2L):c.2091G>A (p.Val697=)

Genes: CKAP2L (cytoskeleton associated protein 2L; minus strand), NT5DC4 (5'-nucleotidase domain containing 4; plus strand). Cytogenetic location: 2q14.1.
Variant type: single nucleotide variant.
Coding change: c.2091G>A on transcript NM_152515.5 (MANE Select); coding-DNA position 2091, G replaced by A.
Protein change: p.Val697=; no amino-acid change (valine 697 retained).
Molecular consequence: synonymous variant. On other transcripts: non-coding transcript variant (1), 3 prime UTR variant (1), intron variant (1).
Genome position (GRCh38, 1-based): chr2:112,738,970, C>T on the plus strand (G>A on the coding strand, the complement: CKAP2L is on the minus strand). VCF-style: chr2-112738970-C-T. GRCh37 (hg19) VCF-style: chr2-113496547-C-T.
Other names: c.1596G>A, p.Val532= (NM_001304361.2); c.*34C>T (NM_001393655.1); c.1249-3442C>T (NM_001350494.2).
Identifiers: ClinVar variation 3067464 (VCV003067464.21), dbSNP rs2467013048, ClinGen allele CA428553526.